The following is an entry in ClinVar:

NM_006363.6(SEC23B):c.691T>G (p.Phe231Val)

Gene: SEC23B (SEC23 homolog B, COPII component; plus strand). Cytogenetic location: 20p11.23.
Variant type: single nucleotide variant.
Coding change: c.691T>G on transcript NM_006363.6 (MANE Select); coding-DNA position 691, T replaced by G.
Protein change: p.Phe231Val; replaces phenylalanine 231 with valine.
Molecular consequence: missense variant.
Genome position (GRCh38, 1-based): chr20:18,525,789, T>G. VCF-style: chr20-18525789-T-G. GRCh37 (hg19) VCF-style: chr20-18506433-T-G.
Other names: c.691T>G, p.Phe231Val (NM_001172745.3, NM_032985.6, NM_032986.5); c.637T>G, p.Phe213Val (NM_001172746.3); short protein forms F213V, F231V.
Identifiers: ClinVar variation 4883731 (VCV004883731.2).

ClinVar aggregate classification (germline): Uncertain significance (1 of 4 stars; one submission).

Submission:

Dasa
Classification: Uncertain significance. Last evaluated: 2024-10-03. Review status: criteria provided, single submitter. Criteria: DASA Assertion Criteria. Collection method: clinical testing. Allele origin: germline.
Comment: NM_006363.6(SEC23B):c.691T>G (p.Phe231Val) is a missense variant that results in the substitution of phenylalanine with valine. This variant is absent from population databases. Computational prediction algorithms are consistent with a deleterious effect. The currently available literature and clinical evidence are not sufficient to establish a definitive association between this variant and the reported condition. Therefore, this variant is classified as a variant of uncertain significance.